The following is an entry in ClinVar:

ClinVar aggregate classification (germline): Uncertain significance. Review status: criteria provided, multiple submitters, no conflicts (2 of 4 stars). 3 submissions from 3 submitters: Uncertain significance (3). Last evaluated 2024-01-24.

Conditions:
Inborn genetic diseases. Identifiers: MedGen C0950123, MeSH D030342.

Allele frequency attached by ClinVar (database versions not stated): gnomAD 0.00001; gnomAD exomes 0.00001 and 0.00002; TOPMed 0.00001; ExAC 0.00002.
gnomAD v4.1: 18 of 1,613,892 alleles (0.0011%); highest among the groups gnomAD compares: African/African-American, 0.0027%; no homozygotes.

Submissions (3):

Ambry Genetics
Classification: Uncertain significance for Inborn genetic diseases. Last evaluated: 2024-01-24. Review status: criteria provided, single submitter. Criteria: Ambry Variant Classification Scheme 2023. Collection method: clinical testing. Allele origin: germline.

Labcorp Genetics (formerly Invitae), Labcorp
Classification: Uncertain significance. Last evaluated: 2021-09-01. Review status: criteria provided, single submitter. Criteria: Invitae Variant Classification Sherloc (09022015). Collection method: clinical testing. Allele origin: germline.
Comment: This sequence change replaces valine with isoleucine at codon 478 of the SLC24A1 protein (p.Val478Ile). The valine residue is highly conserved and there is a small physicochemical difference between valine and isoleucine. This variant is present in population databases (rs764875469, ExAC 0.02%). This variant has not been reported in the literature in individuals affected with SLC24A1-related conditions. Algorithms developed to predict the effect of missense changes on protein structure and function (SIFT, PolyPhen-2, Align-GVGD) all suggest that this variant is likely to be disruptive. In summary, the available evidence is currently insufficient to determine the role of this variant in disease. Therefore, it has been classified as a Variant of Uncertain Significance.

Blueprint Genetics
Classification: Uncertain significance. Last evaluated: 2019-01-28. Review status: criteria provided, single submitter. Criteria: ACMG Guidelines, 2015. Collection method: clinical testing. Allele origin: germline.

NM_004727.3(SLC24A1):c.1432G>A (p.Val478Ile)

Gene: SLC24A1 (solute carrier family 24 member 1; plus strand). Cytogenetic location: 15q22.31.
Variant type: single nucleotide variant.
Coding change: c.1432G>A on transcript NM_004727.3 (MANE Select); coding-DNA position 1432, G replaced by A.
Protein change: p.Val478Ile; replaces valine 478 with isoleucine.
Molecular consequence: missense variant.
Genome position (GRCh38, 1-based): chr15:65,625,512, G>A. VCF-style: chr15-65625512-G-A. GRCh37 (hg19) VCF-style: chr15-65917850-G-A.
Other names: c.1432G>A, p.Val478Ile (NM_001301031.1, NM_001301032.1, NM_001301033.2); c.1432G>A (NM_004727.2); short protein forms V478I.
Identifiers: ClinVar variation 1023098 (VCV001023098.7), dbSNP rs764875469, ClinGen allele CA7619904.